The following is an entry in ClinVar:

ClinVar aggregate classification (germline): Likely benign (1 of 4 stars; one submission).

gnomAD v4.1: 6 of 1,611,886 alleles (0.00037%); highest among the groups gnomAD compares: African/African-American, 0.0013%; no homozygotes.

Submission:

CeGaT Center for Human Genetics Tuebingen
Classification: Likely benign. Last evaluated: 2024-07-01. Review status: criteria provided, single submitter. Criteria: CeGaT Center For Human Genetics Tuebingen Variant Classification Criteria Version 2. Collection method: clinical testing. Allele origin: germline. Affected: yes. Observed: 1 variant allele.
Comment: ENG: BP4, BP7

NM_001114753.3(ENG):c.1287C>A (p.Ile429=)

Genes: ENG (endoglin; minus strand), LOC102723566 (uncharacterized LOC102723566; plus strand). Cytogenetic location: 9q34.11.
Variant type: single nucleotide variant.
Coding change: c.1287C>A on transcript NM_001114753.3 (MANE Select); coding-DNA position 1287, C replaced by A.
Protein change: p.Ile429=; no amino-acid change (isoleucine 429 retained).
Molecular consequence: synonymous variant.
Genome position (GRCh38, 1-based): chr9:127,819,646, G>T on the plus strand (C>A on the coding strand, the complement: ENG is on the minus strand). VCF-style: chr9-127819646-G-T. GRCh37 (hg19) VCF-style: chr9-130581925-G-T.
Other names: c.1287C>A, p.Ile429= (NM_000118.4); c.741C>A, p.Ile247= (NM_001278138.2).
Identifiers: ClinVar variation 3257462 (VCV003257462.17).